The following is an entry in ClinVar:

ClinVar aggregate classification (germline): Uncertain significance (1 of 4 stars; one submission).

Conditions:
Emery-Dreifuss muscular dystrophy 4, autosomal dominant (EDMD4). Also called: EMERY-DREIFUSS MUSCULAR DYSTROPHY 4 WITH VARIABLE FEATURES. Identifiers: Orphanet 261, MedGen C2751807, MONDO:0013071, OMIM 612998.
Autosomal recessive ataxia, Beauce type. Also called: SYNE1 Deficiency; Spinocerebellar ataxia, autosomal recessive 8; ATAXIA, RECESSIVE, OF BEAUCE; SYNE1-Related Autosomal Recessive Cerebellar Ataxia. Identifiers: Orphanet 88644, MedGen C1853116, MONDO:0012549, OMIM 610743.

Allele frequency attached by ClinVar (database versions not stated): gnomAD exomes below 0.00001.
gnomAD v4.1: 1 of 1,614,184 alleles (0.000062%); highest among the groups gnomAD compares: Admixed American, 0.0017%; no homozygotes.

Submission:

Labcorp Genetics (formerly Invitae), Labcorp
Classification: Uncertain significance for Emery-Dreifuss muscular dystrophy 4, autosomal dominant; Autosomal recessive ataxia, Beauce type. Last evaluated: 2022-08-06. Review status: criteria provided, single submitter. Criteria: Invitae Variant Classification Sherloc (09022015). Collection method: clinical testing. Allele origin: germline.
Comment: In summary, the available evidence is currently insufficient to determine the role of this variant in disease. Therefore, it has been classified as a Variant of Uncertain Significance. Algorithms developed to predict the effect of missense changes on protein structure and function are either unavailable or do not agree on the potential impact of this missense change (SIFT: "Deleterious"; PolyPhen-2: "Benign"; Align-GVGD: "Class C25"). This variant has not been reported in the literature in individuals affected with SYNE1-related conditions. This variant is present in population databases (no rsID available, gnomAD 0.003%). This sequence change replaces valine, which is neutral and non-polar, with leucine, which is neutral and non-polar, at codon 6801 of the SYNE1 protein (p.Val6801Leu).

NM_182961.4(SYNE1):c.20614G>T (p.Val6872Leu)

Gene: SYNE1 (spectrin repeat containing nuclear envelope protein 1; minus strand). Cytogenetic location: 6q25.2.
Variant type: single nucleotide variant.
Coding change: c.20614G>T on transcript NM_182961.4 (MANE Select); coding-DNA position 20614, G replaced by T.
Protein change: p.Val6872Leu; replaces valine 6872 with leucine.
Molecular consequence: missense variant.
Genome position (GRCh38, 1-based): chr6:152,233,879, C>A on the plus strand (G>T on the coding strand, the complement: SYNE1 is on the minus strand). VCF-style: chr6-152233879-C-A. GRCh37 (hg19) VCF-style: chr6-152555014-C-A.
Other names: c.20401G>T, p.Val6801Leu (NM_033071.5); short protein forms V6872L, V6801L.
Identifiers: ClinVar variation 1983533 (VCV001983533.4), dbSNP rs1325926532, ClinGen allele CA366118286.